The following is an entry in ClinVar:

NM_017637.6(BNC2):c.936C>T (p.Phe312=)

Gene: BNC2 (basonuclin zinc finger protein 2; minus strand). Cytogenetic location: 9p22.3.
Variant type: single nucleotide variant.
Coding change: c.936C>T on transcript NM_017637.6 (MANE Select); coding-DNA position 936, C replaced by T.
Protein change: p.Phe312=; no amino-acid change (phenylalanine 312 retained).
Molecular consequence: synonymous variant.
Genome position (GRCh38, 1-based): chr9:16,437,258, G>A on the plus strand (C>T on the coding strand, the complement: BNC2 is on the minus strand). VCF-style: chr9-16437258-G-A. GRCh37 (hg19) VCF-style: chr9-16437256-G-A.
Other names: c.810C>T, p.Phe270= (NM_001317939.2); c.651C>T, p.Phe217= (NM_001317940.2).
Identifiers: ClinVar variation 120245 (VCV000120245.14), dbSNP rs77464990, ClinGen allele CA204348.

ClinVar aggregate classification (germline): Benign. Review status: criteria provided, multiple submitters, no conflicts (2 of 4 stars). 4 submissions from 4 submitters: Benign (2). 2 of the submissions do not count toward it. Last evaluated 2026-02-01.

Conditions:
BNC2-related disorder. Also called: BNC2-related condition.
Hypotension. Also called: Hypotensive disorder; low blood pressure. Identifiers: MedGen C0020649, MONDO:0005468, HP:0002615, MeSH D007022.

Allele frequency attached by ClinVar (database versions not stated): gnomAD exomes 0.00304 and 0.00128; gnomAD 0.01138 and 0.01212; 1000 Genomes Project 0.01518; ExAC 0.00390; ESP Exome Variant Server 0.01276; TOPMed 0.01298; 1000 Genomes Project 30x 0.01593.

Submissions (4):

Labcorp Genetics (formerly Invitae), Labcorp
Classification: Benign. Last evaluated: 2026-02-01. Review status: criteria provided, single submitter. Criteria: Invitae Variant Classification Sherloc (09022015). Collection method: clinical testing. Allele origin: germline.

Breakthrough Genomics
Classification: Benign. Review status: criteria provided, single submitter. Criteria: ACMG Guidelines, 2015. Collection method: not provided. Allele origin: germline. Inheritance: Autosomal dominant inheritance. Affected: yes.

PreventionGenetics, part of Exact Sciences
Classification: Benign for BNC2-related condition. Last evaluated: 2019-07-09. Review status: no assertion criteria provided. Collection method: clinical testing. Allele origin: germline. Not counted in ClinVar's aggregate classification.
Comment: This variant is classified as benign based on ACMG/AMP sequence variant interpretation guidelines (Richards et al. 2015 PMID: 25741868, with internal and published modifications).

Centre for molecular medicine, Karolinska Institutet
No classification provided. Condition: Hypotension. Review status: no classification provided. Collection method: not provided. Allele origin: not provided. Not counted in ClinVar's aggregate classification.
Comment: hold until published